The following is an entry in ClinVar:

ClinVar aggregate classification (germline): Benign/Likely benign. Review status: criteria provided, multiple submitters, no conflicts (2 of 4 stars). 3 submissions from 3 submitters: Benign (2); Likely benign (1). Last evaluated 2026-05-08.

Conditions:
ATP2B2-related disorder. Also called: ATP2B2-related condition.

Allele frequency attached by ClinVar (database versions not stated): 1000 Genomes Project 0.00220; 1000 Genomes Project 30x 0.00234; ExAC 0.00068; ESP Exome Variant Server 0.00100; gnomAD 0.00117 and 0.00118.
gnomAD v4.1: 485 of 1,614,120 alleles (0.03%); highest among the groups gnomAD compares: African/African-American, 0.37%; 2 homozygotes.

Submissions (3):

Women's Health and Genetics/Laboratory Corporation of America, LabCorp
Classification: Benign. Last evaluated: 2026-05-08. Review status: criteria provided, single submitter. Criteria: LabCorp Variant Classification Summary - May 2015. Collection method: clinical testing. Allele origin: germline.
Comment: Variant summary: ATP2B2 c.2703+8C>T alters a nucleotide located at a position not widely known to affect splicing. Consensus agreement among computation tools predict no significant impact on normal splicing. However, these predictions have yet to be confirmed by functional studies. The variant allele was found at a frequency of 0.00049 in 251012 control chromosomes, predominantly at a frequency of 0.0039 within the African or African-American subpopulation in the gnomAD database. The observed variant frequency within African or African-American control individuals in the gnomAD database exceeds the estimated maximal expected allele frequency for disease-causing variants in ATP2B2. To our knowledge, no occurrence of c.2703+8C>T in individuals affected with ATP2B2-related conditions and no experimental evidence demonstrating its impact on protein function have been reported. ClinVar contains an entry for this variant (Variation ID: 1534955). Based on the evidence outlined above, the variant was classified as benign.

PreventionGenetics, part of Exact Sciences
Classification: Likely benign for ATP2B2-related condition. Last evaluated: 2026-02-09. Review status: criteria provided, single submitter. Criteria: ACMG Guidelines, 2015. Collection method: clinical testing. Allele origin: germline.
Comment: This variant is classified as likely benign based on ACMG/AMP sequence variant interpretation guidelines (Richards et al. 2015 PMID: 25741868, with internal and published modifications).

Labcorp Genetics (formerly Invitae), Labcorp
Classification: Benign. Last evaluated: 2025-08-16. Review status: criteria provided, single submitter. Criteria: Invitae Variant Classification Sherloc (09022015). Collection method: clinical testing. Allele origin: germline.

NM_001001331.4(ATP2B2):c.2703+8C>T

Gene: ATP2B2 (ATPase plasma membrane Ca2+ transporting 2; minus strand). Cytogenetic location: 3p25.3.
Variant type: single nucleotide variant.
Coding change: c.2703+8C>T on transcript NM_001001331.4 (MANE Select); 8 bases into the intron after coding-DNA position 2703, C replaced by T.
Molecular consequence: intron variant.
Genome position (GRCh38, 1-based): chr3:10,345,376, G>A on the plus strand (C>T on the coding strand, the complement: ATP2B2 is on the minus strand). VCF-style: chr3-10345376-G-A. GRCh37 (hg19) VCF-style: chr3-10387060-G-A.
Other names: c.2568+8C>T (NM_001683.3, NM_001353564.1, NM_001683.5 and 2 more transcripts).
Identifiers: ClinVar variation 1534955 (VCV001534955.10), dbSNP rs150216690, ClinGen allele CA2253314.